The following is an entry in ClinVar:

NM_000094.4(COL7A1):c.8046+3A>G

Gene: COL7A1 (collagen type VII alpha 1 chain; minus strand). Cytogenetic location: 3p21.31.
Variant type: single nucleotide variant.
Coding change: c.8046+3A>G on transcript NM_000094.4 (MANE Select); 3 bases into the intron after coding-DNA position 8046, A replaced by G.
Molecular consequence: intron variant.
Genome position (GRCh38, 1-based): chr3:48,567,571, T>C on the plus strand (A>G on the coding strand, the complement: COL7A1 is on the minus strand). VCF-style: chr3-48567571-T-C. GRCh37 (hg19) VCF-style: chr3-48605004-T-C.
Identifiers: ClinVar variation 4726573 (VCV004726573.1).
Genomic context (GRCh38, chr3:48,567,571, plus strand): 5'-GACCATGAGCTTCCCTGCCCCATCCTGACTCCCTGTCATGTCCACTGTCCACAGACCCTG[T>C]ACCTTGGGACCGATCAGGCCCTCCTTGCCAGGGGCCCCCGACTGGCCCGGCACACCAGGC-3'

ClinVar aggregate classification (germline): Likely pathogenic (1 of 4 stars; one submission).

Submission:

Labcorp Genetics (formerly Invitae), Labcorp
Classification: Likely pathogenic. Last evaluated: 2025-09-03. Review status: criteria provided, single submitter. Criteria: Invitae Variant Classification Sherloc (09022015). Collection method: clinical testing. Allele origin: germline.
Comment: This sequence change falls in intron 108 of the COL7A1 gene. It does not directly change the encoded amino acid sequence of the COL7A1 protein. It affects a nucleotide within the consensus splice site. This variant is not present in population databases (gnomAD no frequency). This variant has been observed in individual(s) with clinical features of recessive dystrophic epidermolysis bullosa (internal data). Variants that disrupt the consensus splice site are a relatively common cause of aberrant splicing (PMID: 17576681, 9536098). Algorithms developed to predict the effect of sequence changes on RNA splicing suggest that this variant may disrupt the consensus splice site. In summary, the currently available evidence indicates that the variant is pathogenic, but additional data are needed to prove that conclusively. Therefore, this variant has been classified as Likely Pathogenic.

Literature cited by the submitters: PubMed 17576681; PubMed 9536098.